The following is an entry in ClinVar:

ClinVar aggregate classification (germline): Uncertain significance (1 of 4 stars; one submission).

Conditions:
Developmental and epileptic encephalopathy, 1 (DEE1). Also called: X-linked infantile spasms; West's syndrome; Tonic spasms with clustering, arrest of psychomotor development and hypsarrhythmia on EEG; X-Linked Infantile Spasm Syndrome; OHTAHARA SYNDROME, X-LINKED; Epileptic encephalopathy, early infantile, 1. Identifiers: MedGen C3463992, MONDO:0010632, OMIM 308350. Disease mechanism: loss of function.
Autosomal recessive spinocerebellar ataxia 12. Also called: SPINOCEREBELLAR ATAXIA WITH MENTAL RETARDATION AND EPILEPSY. Identifiers: Orphanet 284282, MedGen C3280452, MONDO:0013687, OMIM 614322.

gnomAD v4.1: 1 of 1,614,162 alleles (0.000062%); highest among the groups gnomAD compares: Non-Finnish European, 0.000085%; no homozygotes.

Submission:

Labcorp Genetics (formerly Invitae), Labcorp
Classification: Uncertain significance for Developmental and epileptic encephalopathy, 1; Autosomal recessive spinocerebellar ataxia 12. Last evaluated: 2024-10-22. Review status: criteria provided, single submitter. Criteria: Invitae Variant Classification Sherloc (09022015). Collection method: clinical testing. Allele origin: germline.
Comment: This sequence change replaces threonine, which is neutral and polar, with serine, which is neutral and polar, at codon 283 of the WWOX protein (p.Thr283Ser). This variant is not present in population databases (gnomAD no frequency). This variant has not been reported in the literature in individuals affected with WWOX-related conditions. ClinVar contains an entry for this variant (Variation ID: 1962058). An algorithm developed to predict the effect of missense changes on protein structure and function outputs the following: PolyPhen-2: "Benign". The serine amino acid residue is found in multiple mammalian species, which suggests that this missense change does not adversely affect protein function. In summary, the available evidence is currently insufficient to determine the role of this variant in disease. Therefore, it has been classified as a Variant of Uncertain Significance.

NM_016373.4(WWOX):c.847A>T (p.Thr283Ser)

Gene: WWOX (WW domain containing oxidoreductase; plus strand). Cytogenetic location: 16q23.1.
Variant type: single nucleotide variant.
Coding change: c.847A>T on transcript NM_016373.4 (MANE Select); coding-DNA position 847, A replaced by T.
Protein change: p.Thr283Ser; replaces threonine 283 with serine.
Molecular consequence: missense variant.
Genome position (GRCh38, 1-based): chr16:78,432,543, A>T. VCF-style: chr16-78432543-A-T. GRCh37 (hg19) VCF-style: chr16-78466440-A-T.
Other names: c.508A>T, p.Thr170Ser (NM_001291997.2); short protein forms T170S, T283S.
Identifiers: ClinVar variation 1962058 (VCV001962058.5), dbSNP rs1037290766, ClinGen allele CA396843136.